The following is an entry in ClinVar:

NM_001276270.2(MBD4):c.1573C>T (p.Pro525Ser)

Gene: MBD4 (methyl-CpG binding domain 4, DNA glycosylase; minus strand). Cytogenetic location: 3q21.3.
Variant type: single nucleotide variant.
Coding change: c.1573C>T on transcript NM_001276270.2 (MANE Select); coding-DNA position 1573, C replaced by T.
Protein change: p.Pro525Ser; replaces proline 525 with serine.
Molecular consequence: missense variant.
Genome position (GRCh38, 1-based): chr3:129,432,577, G>A on the plus strand (C>T on the coding strand, the complement: MBD4 is on the minus strand). VCF-style: chr3-129432577-G-A. GRCh37 (hg19) VCF-style: chr3-129151420-G-A.
Other names: c.1591C>T, p.Pro531Ser (NM_001276271.2, NM_001276272.2, NM_003925.3); c.637C>T, p.Pro213Ser (NM_001276273.2); short protein forms P213S, P525S, P531S.
Identifiers: ClinVar variation 4859626 (VCV004859626.1).
Genomic context (GRCh38, chr3:129,432,577, plus strand): 5'-TGACACAAAAAATTCGGTAAGAGTCGTTGCCATATTTACCAATCCCATGAAGCTCAATTG[G>A]ATACTTCCACTGCTTTGTCAGGTATTCATCTGAAGAATACAACATCCCACATTATCAGGT-3'
Protein context (NP_001263199.1, residues 515-535): DEYLTKQWKY[Pro525Ser]IELHGIGKYG

ClinVar aggregate classification (germline): Uncertain significance (1 of 4 stars; one submission).

Conditions:
Inborn genetic diseases. Identifiers: MedGen C0950123, MeSH D030342.

Submission:

Ambry Genetics
Classification: Uncertain significance for Inborn genetic diseases. Last evaluated: 2026-06-14. Review status: criteria provided, single submitter. Criteria: Ambry Variant Classification Scheme 2023. Collection method: clinical testing. Allele origin: germline.
Comment: The p.P525S variant (also known as c.1573C>T), located in coding exon 7 of the MBD4 gene, results from a C to T substitution at nucleotide position 1573. The proline at codon 525 is replaced by serine, an amino acid with similar properties. This amino acid position is conserved. In addition, this alteration is predicted to be deleterious by in silico analysis. Based on the available evidence, the clinical significance of this variant remains unclear.